The following is an entry in ClinVar:

ClinVar aggregate classification (germline): Benign. Review status: criteria provided, multiple submitters, no conflicts (2 of 4 stars). 8 submissions from 6 submitters: Benign (7). 1 of the submissions does not count toward it. Last evaluated 2026-02-02.

Conditions:
Pseudoxanthoma elasticum, forme fruste. Also called: Pseudoxanthoma Elasticum, Incomplete; PSEUDOXANTHOMA ELASTICUM, HETEROZYGOUS. Identifiers: Orphanet 758, MedGen C1867450, MONDO:0008333, OMIM 177850.
Autosomal recessive inherited pseudoxanthoma elasticum (PXE). Identifiers: Orphanet 758, MedGen CN032334, MONDO:0009925, OMIM 264800.
Arterial calcification, generalized, of infancy, 2. Identifiers: Orphanet 51608, MedGen C3276161, MONDO:0013768, OMIM 614473.

Allele frequency attached by ClinVar (database versions not stated): gnomAD exomes 0.00261 and 0.00693; ExAC 0.00886; gnomAD 0.02624 and 0.02791; ESP Exome Variant Server 0.03001; TOPMed 0.03008; 1000 Genomes Project 0.03315; 1000 Genomes Project 30x 0.03420.
gnomAD v4.1: 8,004 of 1,614,016 alleles (0.5%); highest among the groups gnomAD compares: African/African-American, 9.2%; 316 homozygotes.

Submissions (8):

Labcorp Genetics (formerly Invitae), Labcorp
Classification: Benign. Last evaluated: 2026-02-02. Review status: criteria provided, single submitter. Criteria: Invitae Variant Classification Sherloc (09022015). Collection method: clinical testing. Allele origin: germline.

Mayo Clinic Laboratories, Mayo Clinic
Classification: Benign. Last evaluated: 2023-10-09. Review status: criteria provided, single submitter. Criteria: ACMG Guidelines, 2015. Collection method: clinical testing. Allele origin: germline. Observed: 1 variant allele.
Comment: BA1, BS2, BP4

Genome-Nilou Lab
Classification: Benign for Arterial calcification, generalized, of infancy, 2. Last evaluated: 2021-12-05. Review status: criteria provided, single submitter. Criteria: ACMG Guidelines, 2015. Collection method: clinical testing. Allele origin: germline. Affected: no.

Genome-Nilou Lab
Classification: Benign for Autosomal recessive inherited pseudoxanthoma elasticum. Last evaluated: 2021-12-05. Review status: criteria provided, single submitter. Criteria: ACMG Guidelines, 2015. Collection method: clinical testing. Allele origin: germline. Affected: no.

Genome-Nilou Lab
Classification: Benign for Pseudoxanthoma elasticum, forme fruste. Last evaluated: 2021-12-05. Review status: criteria provided, single submitter. Criteria: ACMG Guidelines, 2015. Collection method: clinical testing. Allele origin: germline. Affected: no.

GeneDx
Classification: Benign. Last evaluated: 2015-03-20. Review status: criteria provided, single submitter. Criteria: GeneDx Variant Classification (06012015). Collection method: clinical testing. Allele origin: germline. Affected: yes.
Comment: This variant is considered likely benign or benign based on one or more of the following criteria: it is a conservative change, it occurs at a poorly conserved position in the protein, it is predicted to be benign by multiple in silico algorithms, and/or has population frequency not consistent with disease.

Breakthrough Genomics
Classification: Benign. Review status: criteria provided, single submitter. Criteria: ACMG Guidelines, 2015. Collection method: not provided. Allele origin: germline. Inheritance: Autosomal recessive inheritance. Affected: yes.

PXE International
Classification: Benign for Autosomal recessive inherited pseudoxanthoma elasticum. Last evaluated: 2021-03-01. Review status: no assertion criteria provided. Collection method: research. Allele origin: germline. Inheritance: Autosomal recessive inheritance. Affected: yes. Observed: 4 variant alleles. Clinical features observed: Papule (HP:0200034), Angioid streaks (HP:0001102), Skin plaque (HP:0200035), Angina pectoris (HP:0001681), Abnormal EKG (HP:0003115), Renal calcification. Not counted in ClinVar's aggregate classification.

Literature cited by the submitters: PubMed 17190641 (cited by Mayo Clinic Laboratories, Mayo Clinic); PubMed 32873932 (cited by PXE International).

NM_001171.6(ABCC6):c.3871G>A (p.Ala1291Thr)

Gene: ABCC6 (ATP binding cassette subfamily C member 6; minus strand). Cytogenetic location: 16p13.11.
Variant type: single nucleotide variant.
Coding change: c.3871G>A on transcript NM_001171.6 (MANE Select); coding-DNA position 3871, G replaced by A.
Protein change: p.Ala1291Thr; replaces alanine 1291 with threonine.
Molecular consequence: missense variant. On other transcripts: non-coding transcript variant (1).
Genome position (GRCh38, 1-based): chr16:16,157,674, C>T on the plus strand (G>A on the coding strand, the complement: ABCC6 is on the minus strand). VCF-style: chr16-16157674-C-T. GRCh37 (hg19) VCF-style: chr16-16251531-C-T.
Other names: p.Ala1291Thr; c.3529G>A, p.Ala1177Thr (NM_001351800.1); short protein forms A1291T, A1177T.
Identifiers: ClinVar variation 379215 (VCV000379215.17), dbSNP rs58694313, ClinGen allele CA7925400.